The following is an entry in ClinVar:

NM_015465.5(GEMIN5):c.1230C>A (p.Leu410=)

Gene: GEMIN5 (gem nuclear organelle associated protein 5; minus strand). Cytogenetic location: 5q33.2.
Variant type: single nucleotide variant.
Coding change: c.1230C>A on transcript NM_015465.5 (MANE Select); coding-DNA position 1230, C replaced by A.
Protein change: p.Leu410=; no amino-acid change (leucine 410 retained).
Molecular consequence: synonymous variant.
Genome position (GRCh38, 1-based): chr5:154,925,925, G>T on the plus strand (C>A on the coding strand, the complement: GEMIN5 is on the minus strand). VCF-style: chr5-154925925-G-T. GRCh37 (hg19) VCF-style: chr5-154305485-G-T.
Other names: c.1227C>A, p.Leu409= (NM_001252156.2).
Identifiers: ClinVar variation 2673035 (VCV002673035.23), dbSNP rs763099734, ClinGen allele CA3529104.

ClinVar aggregate classification (germline): Likely benign (1 of 4 stars; one submission).

Allele frequency attached by ClinVar (database versions not stated): gnomAD 0.00001; gnomAD exomes 0.00001; TOPMed 0.00001; ExAC 0.00002.
gnomAD v4.1: 17 of 1,612,722 alleles (0.0011%); highest among the groups gnomAD compares: Non-Finnish European, 0.0014%; no homozygotes.

Submission:

CeGaT Center for Human Genetics Tuebingen
Classification: Likely benign. Last evaluated: 2023-11-01. Review status: criteria provided, single submitter. Criteria: CeGaT Center For Human Genetics Tuebingen Variant Classification Criteria Version 2. Collection method: clinical testing. Allele origin: germline. Affected: yes. Observed: 1 variant allele.
Comment: GEMIN5: BP4, BP7